The following is an entry in ClinVar:

NM_001166114.2(PNPLA6):c.238C>T (p.Pro80Ser)

Gene: PNPLA6 (patatin like domain 6, lysophospholipase; plus strand). Cytogenetic location: 19p13.2.
Variant type: single nucleotide variant.
Coding change: c.238C>T on transcript NM_001166114.2 (MANE Select); coding-DNA position 238, C replaced by T.
Protein change: p.Pro80Ser; replaces proline 80 with serine.
Molecular consequence: missense variant.
Genome position (GRCh38, 1-based): chr19:7,536,196, C>T. VCF-style: chr19-7536196-C-T. GRCh37 (hg19) VCF-style: chr19-7601082-C-T.
Other names: c.121C>T (NM_006702.4); c.265C>T, p.Pro89Ser (NM_001166111.2); c.121C>T, p.Pro41Ser (NM_001166112.2, NM_001166113.1, NM_006702.5); short protein forms P89S, P41S, P80S.
Identifiers: ClinVar variation 1516269 (VCV001516269.6), dbSNP rs772575811, ClinGen allele CA9139392.

ClinVar aggregate classification (germline): Uncertain significance. Review status: criteria provided, multiple submitters, no conflicts (2 of 4 stars). 2 submissions from 2 submitters: Uncertain significance (2). Last evaluated 2024-03-04.

Conditions:
Inborn genetic diseases. Identifiers: MedGen C0950123, MeSH D030342.
Hereditary spastic paraplegia 39 (SPG39). Also called: Spastic Paraplegia Type 39 (SPG39); SPASTIC PARAPLEGIA 39, AUTOSOMAL RECESSIVE. Identifiers: Orphanet 139480, MedGen C2677586, MONDO:0012787, OMIM 612020.

Allele frequency attached by ClinVar (database versions not stated): gnomAD 0.00001; ExAC 0.00002; TOPMed 0.00002; gnomAD exomes 0.00004.
gnomAD v4.1: 28 of 1,612,272 alleles (0.0017%); highest among the groups gnomAD compares: Middle Eastern, 0.033%; no homozygotes.

Submissions (2):

Labcorp Genetics (formerly Invitae), Labcorp
Classification: Uncertain significance for Hereditary spastic paraplegia 39. Last evaluated: 2024-03-04. Review status: criteria provided, single submitter. Criteria: Invitae Variant Classification Sherloc (09022015). Collection method: clinical testing. Allele origin: germline.
Comment: This sequence change replaces proline, which is neutral and non-polar, with serine, which is neutral and polar, at codon 41 of the PNPLA6 protein (p.Pro41Ser). This variant is present in population databases (rs772575811, gnomAD 0.005%). This variant has not been reported in the literature in individuals affected with PNPLA6-related conditions. ClinVar contains an entry for this variant (Variation ID: 1516269). Advanced modeling of protein sequence and biophysical properties (such as structural, functional, and spatial information, amino acid conservation, physicochemical variation, residue mobility, and thermodynamic stability) performed at Invitae indicates that this missense variant is not expected to disrupt PNPLA6 protein function with a negative predictive value of 95%. In summary, the available evidence is currently insufficient to determine the role of this variant in disease. Therefore, it has been classified as a Variant of Uncertain Significance.

Ambry Genetics
Classification: Uncertain significance for Inborn genetic diseases. Last evaluated: 2022-05-04. Review status: criteria provided, single submitter. Criteria: Ambry Variant Classification Scheme 2023. Collection method: clinical testing. Allele origin: germline.